The following is an entry in ClinVar:

ClinVar aggregate classification (germline): Likely benign (1 of 4 stars; one submission).

Submission:

CeGaT Center for Human Genetics Tuebingen
Classification: Likely benign. Last evaluated: 2026-03-01. Review status: criteria provided, single submitter. Criteria: CeGaT Center For Human Genetics Tuebingen Variant Classification Criteria Version 2. Collection method: clinical testing. Allele origin: germline. Affected: yes. Observed: 1 variant allele.
Comment: CACNA1G: BP4

NM_018896.5(CACNA1G):c.354+4A>T

Gene: CACNA1G (calcium voltage-gated channel subunit alpha1 G; plus strand). Cytogenetic location: 17q21.33.
Variant type: single nucleotide variant.
Coding change: c.354+4A>T on transcript NM_018896.5 (MANE Select); 4 bases into the intron after coding-DNA position 354, A replaced by T.
Molecular consequence: intron variant.
Genome position (GRCh38, 1-based): chr17:50,568,985, A>T. VCF-style: chr17-50568985-A-T. GRCh37 (hg19) VCF-style: chr17-48646346-A-T.
Other names: c.354+4A>T (NM_198388.3, NM_001256332.2, NM_001256328.2 and 24 more transcripts).
Identifiers: ClinVar variation 4820701 (VCV004820701.4).